The following is an entry in ClinVar:

NM_138694.4(PKHD1):c.8070G>T (p.Trp2690Cys)

Gene: PKHD1 (PKHD1 ciliary IPT domain containing fibrocystin/polyductin; minus strand). Cytogenetic location: 6p12.2.
Variant type: single nucleotide variant.
Coding change: c.8070G>T on transcript NM_138694.4 (MANE Select); coding-DNA position 8070, G replaced by T.
Protein change: p.Trp2690Cys; replaces tryptophan 2690 with cysteine.
Molecular consequence: missense variant.
Genome position (GRCh38, 1-based): chr6:51,847,812, C>A on the plus strand (G>T on the coding strand, the complement: PKHD1 is on the minus strand). VCF-style: chr6-51847812-C-A. GRCh37 (hg19) VCF-style: chr6-51712610-C-A.
Other names: c.8070G>T, p.Trp2690Cys (NM_170724.3); short protein forms W2690C.
Identifiers: ClinVar variation 3338940 (VCV003338940.1).

ClinVar aggregate classification (germline): Uncertain significance (1 of 4 stars; one submission).

Submission:

Women's Health and Genetics/Laboratory Corporation of America, LabCorp
Classification: Uncertain significance. Last evaluated: 2024-07-11. Review status: criteria provided, single submitter. Criteria: LabCorp Variant Classification Summary - May 2015. Collection method: clinical testing. Allele origin: germline.
Comment: Variant summary: PKHD1 c.8070G>T (p.Trp2690Cys) results in a non-conservative amino acid change in the encoded protein sequence. Five of five in-silico tools predict a damaging effect of the variant on protein function. The variant was absent in 251184 control chromosomes (gnomAD). The available data on variant occurrences in the general population are insufficient to allow any conclusion about variant significance. To our knowledge, no occurrence of c.8070G>T in individuals affected with Polycystic Kidney And Hepatic Disease and no experimental evidence demonstrating its impact on protein function have been reported. No submitters have cited clinical-significance assessments for this variant to ClinVar. However, a different missense change affecting the same amino acid (i.e. Trp2690Arg) has been reported in affected individuals (HGMD) and been classified as Pathogenic by multiple labs in ClinVar, suggesting that the Trp2690 might be functionally important. Based on the evidence outlined above, the variant was classified as uncertain significance.